The following is an entry in ClinVar:

NM_005751.5(AKAP9):c.10223T>A (p.Leu3408His)

Gene: AKAP9 (A-kinase anchoring protein 9; plus strand). Cytogenetic location: 7q21.2.
Variant type: single nucleotide variant.
Coding change: c.10223T>A on transcript NM_005751.5 (MANE Select); coding-DNA position 10223, T replaced by A.
Protein change: p.Leu3408His; replaces leucine 3408 with histidine.
Molecular consequence: missense variant.
Genome position (GRCh38, 1-based): chr7:92,097,182, T>A. VCF-style: chr7-92097182-T-A. GRCh37 (hg19) VCF-style: chr7-91726496-T-A.
Other names: c.4868T>A, p.Leu1623His (NM_001379277.1); c.10199T>A, p.Leu3400His (NM_147185.3); short protein forms L1623H, L3400H, L3408H.
Identifiers: ClinVar variation 2662270 (VCV002662270.1), dbSNP rs2535300986, ClinGen allele CA368154376.
Genomic context (GRCh38, chr7:92,097,182, plus strand): 5'-GGAAAACACTGCAGACAGAACAGGAGGCCAACACTGAGGGACAGAAAAAAATGCATGAGC[T>A]CCAGTCCAAAGTGGAAGATCTTCAGCGCCAGCTGGAAGAGAAAAGACAACAAGTTTATAA-3'
Protein context (NP_005742.4, residues 3398-3418): NTEGQKKMHE[Leu3408His]QSKVEDLQRQ

ClinVar aggregate classification (germline): Uncertain significance (1 of 4 stars; one submission).

Submission:

GeneDx
Classification: Uncertain significance. Last evaluated: 2023-05-10. Review status: criteria provided, single submitter. Criteria: GeneDx Variant Classification Process June 2021. Collection method: clinical testing. Allele origin: germline. Affected: yes.
Comment: Not observed at significant frequency in large population cohorts (gnomAD); In silico analysis supports that this missense variant has a deleterious effect on protein structure/function; Has not been previously published as pathogenic or benign to our knowledge